The following is an entry in ClinVar:

NM_020921.4(NIN):c.2105A>C (p.Lys702Thr)

Gene: NIN (ninein; minus strand). Cytogenetic location: 14q22.1.
Variant type: single nucleotide variant.
Coding change: c.2105A>C on transcript NM_020921.4 (MANE Select); coding-DNA position 2105, A replaced by C.
Protein change: p.Lys702Thr; replaces lysine 702 with threonine.
Molecular consequence: missense variant.
Genome position (GRCh38, 1-based): chr14:50,760,151, T>G on the plus strand (A>C on the coding strand, the complement: NIN is on the minus strand). VCF-style: chr14-50760151-T-G. GRCh37 (hg19) VCF-style: chr14-51226869-T-G.
Other names: c.2105A>C, p.Lys702Thr (NM_016350.5, NM_182944.3, NM_182946.2); short protein forms K702T.
Identifiers: ClinVar variation 2907769 (VCV002907769.3), dbSNP rs535260580, ClinGen allele CA7182000.
Genomic context (GRCh38, chr14:50,760,151, plus strand): 5'-TGCAGCCTCAGCTTCTCCTGCAGGTGAGTCTTTTCCTCCTCAAGCTTCACTTGCAGTTGT[T>G]TTTTCTCCTCCTCATGCCTGCAAGTGGCCTCATGATGTGCCTCCTTGAGCACTGCTGCTT-3'
Protein context (NP_065972.4, residues 692-712): EATCRHEEEK[Lys702Thr]QLQVKLEEEK

ClinVar aggregate classification (germline): Uncertain significance (1 of 4 stars; one submission).

Allele frequency attached by ClinVar (database versions not stated): gnomAD 0.00003; gnomAD exomes below 0.00001; TOPMed 0.00002; 1000 Genomes Project 0.00020; ExAC 0.00001; 1000 Genomes Project 30x 0.00016.
gnomAD v4.1: 9 of 1,614,180 alleles (0.00056%); highest among the groups gnomAD compares: Admixed American, 0.013%; no homozygotes.

Submission:

Labcorp Genetics (formerly Invitae), Labcorp
Classification: Uncertain significance. Last evaluated: 2025-10-12. Review status: criteria provided, single submitter. Criteria: Invitae Variant Classification Sherloc (09022015). Collection method: clinical testing. Allele origin: germline.
Comment: This sequence change replaces lysine, which is basic and polar, with threonine, which is neutral and polar, at codon 702 of the NIN protein (p.Lys702Thr). This variant is present in population databases (rs535260580, gnomAD 0.01%). This variant has not been reported in the literature in individuals affected with NIN-related conditions. ClinVar contains an entry for this variant (Variation ID: 2907769). An algorithm developed to predict the effect of missense changes on protein structure and function (PolyPhen-2) suggests that this variant is likely to be tolerated. In summary, the available evidence is currently insufficient to determine the role of this variant in disease. Therefore, it has been classified as a Variant of Uncertain Significance.